The following is an entry in ClinVar:

ClinVar aggregate classification (germline): Uncertain significance (1 of 4 stars; one submission).

Conditions:
Hereditary cancer-predisposing syndrome. Also called: Neoplastic Syndromes, Hereditary; Tumor predisposition; Hereditary Cancer Syndrome; Hereditary neoplastic syndrome. Identifiers: Orphanet 140162, MedGen C0027672, MeSH D009386, MONDO:0015356.

Submission:

Ambry Genetics
Classification: Uncertain significance for Hereditary cancer-predisposing syndrome. Last evaluated: 2026-04-24. Review status: criteria provided, single submitter. Criteria: Ambry Variant Classification Scheme 2023. Collection method: clinical testing. Allele origin: germline.
Comment: The p.V132E variant (also known as c.395T>A), located in coding exon 1 of the ALK gene, results from a T to A substitution at nucleotide position 395. The valine at codon 132 is replaced by glutamic acid, an amino acid with dissimilar properties. This amino acid position is conserved. In addition, the in silico prediction for this alteration is inconclusive. Based on the available evidence, the clinical significance of this variant remains unclear.

NM_004304.5(ALK):c.395T>A (p.Val132Glu)

Gene: ALK (ALK receptor tyrosine kinase; minus strand). Cytogenetic location: 2p23.1.
Variant type: single nucleotide variant.
Coding change: c.395T>A on transcript NM_004304.5 (MANE Select); coding-DNA position 395, T replaced by A.
Protein change: p.Val132Glu; replaces valine 132 with glutamic acid.
Molecular consequence: missense variant.
Genome position (GRCh38, 1-based): chr2:29,920,265, A>T on the plus strand (T>A on the coding strand, the complement: ALK is on the minus strand). VCF-style: chr2-29920265-A-T. GRCh37 (hg19) VCF-style: chr2-30143131-A-T.
Other names: short protein forms V132E.
Identifiers: ClinVar variation 4870142 (VCV004870142.1).